The following is an entry in ClinVar:

NM_032043.3(BRIP1):c.1251dup (p.Ala418fs)

Gene: BRIP1 (BRCA1 interacting DNA helicase 1; minus strand). Cytogenetic location: 17q23.2.
Variant type: Duplication.
Coding change: c.1251dup on transcript NM_032043.3 (MANE Select); coding-DNA position 1251, one base duplicated (T; older notation c.1251dupT).
Protein change: p.Ala418fs; shifts the reading frame from alanine 418.
Molecular consequence: frameshift variant.
Genome position (GRCh38, 1-based): chr17:61,799,189, A duplicated on the plus strand (T on the coding strand, the reverse complement: BRIP1 is on the minus strand); the first of 3 consecutive A bases (chr17:61,799,189-61,799,191); duplicating any one gives the same sequence. VCF-style (leftmost placement, unchanged base first): chr17-61799188-C-CA. GRCh37 (hg19) VCF-style: chr17-59876549-C-CA.
Other names: short protein forms A418fs.
Identifiers: ClinVar variation 2673998 (VCV002673998.1), dbSNP rs2545136612, ClinGen allele CA2695200313.

ClinVar aggregate classification (germline): Pathogenic (1 of 4 stars; one submission).

Conditions:
Familial cancer of breast. Also called: Hereditary breast cancer; BREAST CANCER, FAMILIAL; hereditary breast carcinoma. Identifiers: Orphanet 227535, MedGen C0346153, MONDO:0016419, OMIM 114480. Disease mechanism: loss of function.

Submission:

Myriad Genetics, Inc.
Classification: Pathogenic for Familial cancer of breast. Last evaluated: 2023-11-03. Review status: criteria provided, single submitter. Criteria: Myriad Autosomal Dominant, Autosomal Recessive and X-Linked Classification Criteria (2023). Collection method: clinical testing. Allele origin: unknown.
Comment: This variant is considered pathogenic. This variant creates a frameshift predicted to result in premature protein truncation.